The following is an entry in ClinVar:

NM_000112.4(SLC26A2):c.533G>A (p.Arg178Gln)

Gene: SLC26A2 (solute carrier family 26 member 2; plus strand). Cytogenetic location: 5q32.
Variant type: single nucleotide variant.
Coding change: c.533G>A on transcript NM_000112.4 (MANE Select); coding-DNA position 533, G replaced by A.
Protein change: p.Arg178Gln; replaces arginine 178 with glutamine.
Molecular consequence: missense variant.
Genome position (GRCh38, 1-based): chr5:149,978,185, G>A. VCF-style: chr5-149978185-G-A. GRCh37 (hg19) VCF-style: chr5-149357748-G-A.
Other names: short protein forms R178Q.
Identifiers: ClinVar variation 1027290 (VCV001027290.8), dbSNP rs747117439, ClinGen allele CA3505268.

ClinVar aggregate classification (germline): Uncertain significance. Review status: criteria provided, multiple submitters, no conflicts (2 of 4 stars). 3 submissions from 3 submitters: Uncertain significance (2). 1 of the submissions does not count toward it. Last evaluated 2021-08-24.

Conditions:
Multiple epiphyseal dysplasia type 4 (EDM4). Also called: SLC26A2-Related Multiple Epiphyseal Dysplasia; MULTIPLE EPIPHYSEAL DYSPLASIA WITH BILAYERED PATELLAE; MULTIPLE EPIPHYSEAL DYSPLASIA WITH CLUBFOOT; MULTIPLE EPIPHYSEAL DYSPLASIA, AUTOSOMAL RECESSIVE; Multiple Epiphyseal Dysplasia, Recessive. Identifiers: Orphanet 93307, MedGen C1847593, MONDO:0009189, OMIM 226900.
Diastrophic dysplasia (DTD). Also called: Diastrophic dwarfism. Identifiers: Orphanet 628, MedGen C0220726, MONDO:0009107, OMIM 222600.
Achondrogenesis, type IB (ACG1B). Also called: Achondrogenesis Type 1B. Identifiers: Orphanet 932, Orphanet 93298, MedGen C0265274, MONDO:0010966, OMIM 600972.
Atelosteogenesis type II (AO2). Also called: Neonatal osseous dysplasia 1; SLC26A2-Related Atelosteogenesis; NEONATAL OSSEOUS DYSPLASIA I. Identifiers: Orphanet 56304, MedGen C1850554, MONDO:0009727, OMIM 256050.

Allele frequency attached by ClinVar (database versions not stated): TOPMed below 0.00001; ExAC 0.00001; gnomAD 0.00001; gnomAD exomes 0.00001.
gnomAD v4.1: 11 of 1,612,874 alleles (0.00068%); highest among the groups gnomAD compares: Admixed American, 0.0033%; no homozygotes.

Submissions (3):

Labcorp Genetics (formerly Invitae), Labcorp
Classification: Uncertain significance for Atelosteogenesis type II; Multiple epiphyseal dysplasia type 4; Achondrogenesis, type IB; Diastrophic dysplasia. Last evaluated: 2021-08-24. Review status: criteria provided, single submitter. Criteria: Invitae Variant Classification Sherloc (09022015). Collection method: clinical testing. Allele origin: germline.
Comment: This sequence change replaces arginine with glutamine at codon 178 of the SLC26A2 protein (p.Arg178Gln). The arginine residue is highly conserved and there is a small physicochemical difference between arginine and glutamine. This variant is present in population databases (rs747117439, ExAC 0.002%). This variant has not been reported in the literature in individuals affected with SLC26A2-related conditions. Algorithms developed to predict the effect of missense changes on protein structure and function are either unavailable or do not agree on the potential impact of this missense change (SIFT: "Deleterious"; PolyPhen-2: "Probably Damaging"; Align-GVGD: "Class C0"). In summary, the available evidence is currently insufficient to determine the role of this variant in disease. Therefore, it has been classified as a Variant of Uncertain Significance.

Blueprint Genetics
Classification: Uncertain significance. Last evaluated: 2019-06-24. Review status: criteria provided, single submitter. Criteria: ACMG Guidelines, 2015. Collection method: clinical testing. Allele origin: germline.

Natera, Inc.
Classification: Uncertain significance for Achondrogenesis type IB. Last evaluated: 2020-03-11. Review status: no assertion criteria provided. Collection method: clinical testing. Allele origin: germline. Not counted in ClinVar's aggregate classification.